The following is an entry in ClinVar:

ClinVar aggregate classification (germline): Pathogenic (1 of 4 stars; one submission).

Conditions:
Intellectual developmental disorder, X-linked 99, syndromic, female-restricted. Also called: Intellectual disability, X-linked 99, syndromic, female-restricted. Identifiers: MedGen C4225416, MONDO:0010502, OMIM 300968.

Submission:

GeneDx
Classification: Pathogenic. Last evaluated: 2016-11-23. Review status: criteria provided, single submitter. Criteria: GeneDx Variant Classification (06012015). Collection method: clinical testing. Allele origin: germline. Affected: yes.
Comment: The W380X pathogenic variant in the USP9X gene has not been reported previously as a pathogenicvariant nor as a benign variant, to our knowledge. This variant is predicted to cause loss of normalprotein function either through protein truncation or nonsense-mediated mRNA decay. The W380Xvariant was not observed in approximately 6400 individuals of European and African Americanancestry in the NHLBI Exome Sequencing Project, indicating it is not a common benign variant inthese populations.

NM_001039591.3(USP9X):c.1140G>A (p.Trp380Ter)

Gene: USP9X (ubiquitin specific peptidase 9 X-linked; plus strand). Cytogenetic location: Xp11.4.
Variant type: single nucleotide variant.
Coding change: c.1140G>A on transcript NM_001039591.3 (MANE Select); coding-DNA position 1140, G replaced by A.
Protein change: p.Trp380Ter; replaces tryptophan 380 with a stop codon.
Molecular consequence: nonsense.
Genome position (GRCh38, 1-based): chrX:41,141,410, G>A. VCF-style: chrX-41141410-G-A. GRCh37 (hg19) VCF-style: chrX-41000663-G-A.
Other names: c.1140G>A, p.Trp380Ter (NM_001039590.3); short protein forms W380*.
Identifiers: ClinVar variation 280380 (VCV000280380.4), dbSNP rs886041595, ClinGen allele CA10603667.